The following is an entry in ClinVar:

NM_033305.3(VPS13A):c.1115dup (p.Leu373fs)

Gene: VPS13A (vacuolar protein sorting 13 homolog A; plus strand). Cytogenetic location: 9q21.2.
Variant type: Duplication.
Coding change: c.1115dup on transcript NM_033305.3 (MANE Select); coding-DNA position 1115, one base duplicated (A; older notation c.1115dupA).
Protein change: p.Leu373fs; shifts the reading frame from leucine 373.
Molecular consequence: frameshift variant.
Genome position (GRCh38, 1-based): chr9:77,221,310, A duplicated; the last of 8 consecutive A bases (chr9:77,221,303-77,221,310); duplicating any one gives the same sequence. VCF-style (leftmost placement, unchanged base first): chr9-77221302-T-TA. GRCh37 (hg19) VCF-style: chr9-79836218-T-TA.
Other names: c.1115dup, p.Leu373fs (NM_001018037.2, NM_001018038.3, NM_015186.4); short protein forms L373fs.
Identifiers: ClinVar variation 2783316 (VCV002783316.4), dbSNP rs770350986, ClinGen allele CA588651230.

ClinVar aggregate classification (germline): Pathogenic. Review status: criteria provided, multiple submitters, no conflicts (2 of 4 stars). 2 submissions from 2 submitters: Pathogenic (2). Last evaluated 2024-05-14.

Conditions:
VPS13A-related neurodegenerative disease. Also called: LEVINE-CRITCHLEY SYNDROME; Choreoacanthocytosis; ACANTHOCYTOSIS WITH NEUROLOGIC DISORDER; Chorea-acanthocytosis; Choreaacanthocytosis; VPS13A Disease. Identifiers: Orphanet 2388, MedGen C0393576, MONDO:0008695, OMIM 200150.

Submissions (2):

Myriad Genetics, Inc.
Classification: Pathogenic for VPS13A-related neurodegenerative disease. Last evaluated: 2024-05-14. Review status: criteria provided, single submitter. Criteria: Myriad Autosomal Dominant, Autosomal Recessive and X-Linked Classification Criteria (2023). Collection method: clinical testing. Allele origin: unknown.
Comment: NM_033305.2(VPS13A):c.1115dupA(L373Vfs*4) is expected to be pathogenic in the context of VPS13A disease. This variant is predicted to lead to an abnormal or absent protein product due to the creation of a premature termination codon in VPS13A, a gene where loss-of-function variants are known to be pathogenic. Please note: this variant was assessed in the context of healthy population screening.

Labcorp Genetics (formerly Invitae), Labcorp
Classification: Pathogenic. Last evaluated: 2023-09-24. Review status: criteria provided, single submitter. Criteria: Invitae Variant Classification Sherloc (09022015). Collection method: clinical testing. Allele origin: germline.
Comment: For these reasons, this variant has been classified as Pathogenic. This variant has not been reported in the literature in individuals affected with VPS13A-related conditions. The frequency data for this variant in the population databases is considered unreliable, as metrics indicate poor data quality at this position in the gnomAD database. This sequence change creates a premature translational stop signal (p.Leu373Valfs*4) in the VPS13A gene. It is expected to result in an absent or disrupted protein product. Loss-of-function variants in VPS13A are known to be pathogenic (PMID: 12404112, 21598378).

Literature cited by the submitters: PubMed 12404112 (cited by Labcorp Genetics (formerly Invitae), Labcorp); PubMed 21598378 (cited by Labcorp Genetics (formerly Invitae), Labcorp).